The following is an entry in ClinVar:

ClinVar aggregate classification (germline): Conflicting classifications of pathogenicity. Review status: criteria provided, conflicting classifications (1 of 4 stars). 3 submissions from 3 submitters: Uncertain significance (2); Benign (1). Last evaluated 2025-12-16.

Conditions:
Primary ciliary dyskinesia 7. Also called: CILIARY DYSKINESIA, PRIMARY, 7, WITH OR WITHOUT SITUS INVERSUS. Identifiers: Orphanet 244, MedGen C2678473, MONDO:0012748, OMIM 611884.
Primary ciliary dyskinesia. Also called: Ciliary dyskinesia. Identifiers: Orphanet 244, MedGen C0008780, MONDO:0016575, HP:0012265.

Allele frequency attached by ClinVar (database versions not stated): gnomAD 0.00006; TOPMed 0.00006.
gnomAD v4.1: 124 of 1,597,700 alleles (0.0078%); highest among the groups gnomAD compares: Admixed American, 0.0088%; no homozygotes.

Submissions (3):

Labcorp Genetics (formerly Invitae), Labcorp
Classification: Benign for Primary ciliary dyskinesia. Last evaluated: 2025-12-16. Review status: criteria provided, single submitter. Criteria: Invitae Variant Classification Sherloc (09022015). Collection method: clinical testing. Allele origin: germline.

Ambry Genetics
Classification: Uncertain significance for Primary ciliary dyskinesia. Last evaluated: 2025-06-07. Review status: criteria provided, single submitter. Criteria: Ambry Variant Classification Scheme 2023. Collection method: clinical testing. Allele origin: germline.

ARUP Laboratories, Molecular Genetics and Genomics, ARUP Laboratories
Classification: Uncertain significance for Primary ciliary dyskinesia 7. Last evaluated: 2023-08-30. Review status: criteria provided, single submitter. Criteria: ARUP Molecular Germline Variant Investigation Process 2024. Collection method: clinical testing. Allele origin: germline.
Comment: The DNAH11 c.6664C>G; p.Arg2222Gly variant (rs773498002), to our knowledge, is not reported in the medical literature but is reported in ClinVar (Variation ID: 359644). This variant is found in the general population with an overall allele frequency of 0.0045% (12/266,464 alleles) in the Genome Aggregation Database. Computational analyses are uncertain whether this variant is neutral or deleterious (REVEL: 0.329). Due to limited information, the clinical significance of this variant is uncertain at this time.

NM_001277115.2(DNAH11):c.6664C>G (p.Arg2222Gly)

Gene: DNAH11 (dynein axonemal heavy chain 11; plus strand). Cytogenetic location: 7p15.3.
Variant type: single nucleotide variant.
Coding change: c.6664C>G on transcript NM_001277115.2 (MANE Select); coding-DNA position 6664, C replaced by G.
Protein change: p.Arg2222Gly; replaces arginine 2222 with glycine.
Molecular consequence: missense variant.
Genome position (GRCh38, 1-based): chr7:21,707,816, C>G. VCF-style: chr7-21707816-C-G. GRCh37 (hg19) VCF-style: chr7-21747434-C-G.
Other names: short protein forms R2222G.
Identifiers: ClinVar variation 359644 (VCV000359644.12), dbSNP rs773498002, ClinGen allele CA4180922.